The following is an entry in ClinVar:

NM_000553.6(WRN):c.2309A>G (p.Tyr770Cys)

Gene: WRN (WRN RecQ like helicase; plus strand). Cytogenetic location: 8p12.
Variant type: single nucleotide variant.
Coding change: c.2309A>G on transcript NM_000553.6 (MANE Select); coding-DNA position 2309, A replaced by G.
Protein change: p.Tyr770Cys; replaces tyrosine 770 with cysteine.
Molecular consequence: missense variant.
Genome position (GRCh38, 1-based): chr8:31,116,389, A>G. VCF-style: chr8-31116389-A-G. GRCh37 (hg19) VCF-style: chr8-30973905-A-G.
Other names: short protein forms Y770C.
Identifiers: ClinVar variation 2050092 (VCV002050092.4), dbSNP rs1182761389, ClinGen allele CA370913462.

ClinVar aggregate classification (germline): Uncertain significance (1 of 4 stars; one submission).

Conditions:
Werner syndrome (WRN). Identifiers: Orphanet 902, MedGen C0043119, MONDO:0010196, OMIM 277700.

Allele frequency attached by ClinVar (database versions not stated): gnomAD exomes below 0.00001; gnomAD 0.00001; TOPMed 0.00001.

Submission:

Labcorp Genetics (formerly Invitae), Labcorp
Classification: Uncertain significance for Werner syndrome. Last evaluated: 2023-09-26. Review status: criteria provided, single submitter. Criteria: Invitae Variant Classification Sherloc (09022015). Collection method: clinical testing. Allele origin: germline.
Comment: This sequence change replaces tyrosine, which is neutral and polar, with cysteine, which is neutral and slightly polar, at codon 770 of the WRN protein (p.Tyr770Cys). This variant is not present in population databases (gnomAD no frequency). This variant has not been reported in the literature in individuals affected with WRN-related conditions. ClinVar contains an entry for this variant (Variation ID: 2050092). An algorithm developed to predict the effect of missense changes on protein structure and function (PolyPhen-2) suggests that this variant is likely to be disruptive. In summary, the available evidence is currently insufficient to determine the role of this variant in disease. Therefore, it has been classified as a Variant of Uncertain Significance.